The following is an entry in ClinVar:

ClinVar aggregate classification (germline): Uncertain significance (1 of 4 stars; one submission).

Conditions:
Hereditary sensory and autonomic neuropathy type 6. Also called: Neuropathy, hereditary sensory and autonomic, type VI; HSAN VI. Identifiers: Orphanet 314381, MedGen C3539003, MONDO:0013839, OMIM 614653.
Epidermolysis bullosa simplex 3, localized or generalized intermediate, with BP230 deficiency (EBS3). Also called: Epidermolysis bullosa simplex due to BP230 deficiency; Epidermolysis bullosa simplex, autosomal recessive 2. Identifiers: Orphanet 412181, MedGen C3809470, MONDO:0014180, OMIM 615425.

Allele frequency attached by ClinVar (database versions not stated): gnomAD below 0.00001 and 0.00001; TOPMed below 0.00001; gnomAD exomes 0.00001.
gnomAD v4.1: 13 of 1,613,802 alleles (0.00081%); highest among the groups gnomAD compares: Middle Eastern, 0.016%; no homozygotes.

Submission:

Labcorp Genetics (formerly Invitae), Labcorp
Classification: Uncertain significance for Epidermolysis bullosa simplex 3, localized or generalized intermediate, with BP230 deficiency; Hereditary sensory and autonomic neuropathy type 6. Last evaluated: 2024-01-15. Review status: criteria provided, single submitter. Criteria: Invitae Variant Classification Sherloc (09022015). Collection method: clinical testing. Allele origin: germline.
Comment: The DST gene has multiple clinically relevant transcripts. This variant occurs in alternate transcript NM_015548.4, and corresponds to NM_001723.5:c.*99963G>A in the primary transcript. This sequence change replaces glutamic acid, which is acidic and polar, with lysine, which is basic and polar, at codon 3535 of the DST protein (p.Glu3535Lys). This variant is not present in population databases (gnomAD no frequency). This variant has not been reported in the literature in individuals affected with DST-related conditions. Experimental studies and prediction algorithms are not available or were not evaluated, and the functional significance of this variant is currently unknown. In summary, the available evidence is currently insufficient to determine the role of this variant in disease. Therefore, it has been classified as a Variant of Uncertain Significance.

NM_001374736.1(DST):c.18472G>A (p.Glu6158Lys)

Gene: DST (dystonin; minus strand). Cytogenetic location: 6p12.1.
Variant type: single nucleotide variant.
Coding change: c.18472G>A on transcript NM_001374736.1 (MANE Select); coding-DNA position 18472, G replaced by A.
Protein change: p.Glu6158Lys; replaces glutamic acid 6158 with lysine.
Molecular consequence: missense variant.
Genome position (GRCh38, 1-based): chr6:56,515,554, C>T on the plus strand (G>A on the coding strand, the complement: DST is on the minus strand). VCF-style: chr6-56515554-C-T. GRCh37 (hg19) VCF-style: chr6-56380352-C-T.
Other names: c.12115G>A, p.Glu4039Lys (NM_001144769.5); c.11701G>A, p.Glu3901Lys (NM_001144770.2); c.18472G>A, p.Glu6158Lys (NM_001374722.1); c.17512G>A, p.Glu5838Lys (NM_001374729.1); c.11254G>A, p.Glu3752Lys (NM_001374730.1); c.18499G>A, p.Glu6167Lys (NM_001374734.1); c.11581G>A, p.Glu3861Lys (NM_001386100.1, NM_183380.4); c.10603G>A, p.Glu3535Lys (NM_015548.5); short protein forms E3535K, E3752K, E3861K, E3901K, E4039K, E5838K, E6158K, E6167K.
Identifiers: ClinVar variation 1023009 (VCV001023009.5), dbSNP rs955207101, ClinGen allele CA139179968.
Genomic context (GRCh38, chr6:56,515,554, plus strand): 5'-CTGGGGCGGGAAGCTGAGAGATGATTGATTGTGTTTCTGTCAGCCATGGCCAAAGTTCTT[C>T]ATATGTTTCCCAGAATTGGTTAACCAGGGACTGTGCCCGTTCCAGCTGCAGATACCTTTC-3'
Protein context (NP_001361665.1, residues 6148-6168): SLVNQFWETY[Glu6158Lys]ELWPWLTETQ